The following is an entry in ClinVar:

ClinVar aggregate classification (germline): Uncertain significance (1 of 4 stars; one submission).

Submission:

Labcorp Genetics (formerly Invitae), Labcorp
Classification: Uncertain significance. Last evaluated: 2024-05-23. Review status: criteria provided, single submitter. Criteria: Invitae Variant Classification Sherloc (09022015). Collection method: clinical testing. Allele origin: germline.
Comment: This sequence change falls in intron 11 of the PLS3 gene. It does not directly change the encoded amino acid sequence of the PLS3 protein. This variant is not present in population databases (gnomAD no frequency). This variant has not been reported in the literature in individuals affected with PLS3-related conditions. Experimental studies and prediction algorithms are not available or were not evaluated, and the effect of this variant on mRNA splicing is currently unknown. In summary, the available evidence is currently insufficient to determine the role of this variant in disease. Therefore, it has been classified as a Variant of Uncertain Significance.

NM_005032.7(PLS3):c.1262+15_1262+33delinsAATAGCAGTAG

Gene: PLS3 (plastin 3; plus strand). Cytogenetic location: Xq23.
Variant type: Indel.
Coding change: c.1262+15_1262+33delinsAATAGCAGTAG on transcript NM_005032.7 (MANE Select); bases 15 to 33 of the intron after coding-DNA position 1262, TGCTATTGTAAACAGTTAC replaced by AATAGCAGTAG.
Molecular consequence: intron variant.
Genome position (GRCh38, 1-based): chrX:115,645,114-115,645,132, TGCTATTGTAAACAGTTAC replaced by AATAGCAGTAG. VCF-style: chrX-115645114-TGCTATTGTAAACAGTTAC-AATAGCAGTAG. GRCh37 (hg19) VCF-style: chrX-114879434-TGCTATTGTAAACAGTTAC-AATAGCAGTAG.
Other names: c.1223+15_1223+33delinsAATAGCAGTAG (NM_001282337.2); c.1127+15_1127+33delinsAATAGCAGTAG (NM_001282338.2); c.1262+15_1262+33delinsAATAGCAGTAG (NM_001136025.5); c.1181+15_1181+33delinsAATAGCAGTAG (NM_001172335.3).
Identifiers: ClinVar variation 3654487 (VCV003654487.2).
Genomic context (GRCh38, chrX:115,645,114, plus strand): 5'-GGATGAACTCTCTTGGTGTCAATCCTCACGTAAACCATCTCTATGCGTAAGCCTTCCTAC[TGCTATTGTAAACAGTTAC>AATAGCAGTAG]GAATGTCATGAATGGATGTTAAATAATGACAGCTCTAAAGATTTTCTAGATATTAATTTG-3'